The following is an entry in ClinVar:

NC_000005.10:g.112850816T>A

Variant type: single nucleotide variant.
Genome position: GRCh38 VCF-style: chr5-112850816-T-A. GRCh37 (hg19) VCF-style: chr5-112186513-T-A.
Identifiers: ClinVar variation 82653 (VCV000082653.3), dbSNP rs77990042, ClinGen allele CA250793.

ClinVar aggregate classification (germline): other (0 of 4 stars; one submission).

Conditions:
Familial colorectal cancer. Identifiers: MedGen CN280943, MONDO:0023113. Disease mechanism: loss of function.

Submission:

Systems Biology Platform Zhejiang California International NanoSystems Institute
Classification: other for Familial colorectal cancer. Review status: no assertion criteria provided. Collection method: not provided. Allele origin: unknown.
ClinVar note: Converted during submission from cancer to other.